The following is an entry in ClinVar:

NM_032898.5(CEP19):c.466G>A (p.Asp156Asn)

Gene: CEP19 (centrosomal protein 19; minus strand). Cytogenetic location: 3q29.
Variant type: single nucleotide variant.
Coding change: c.466G>A on transcript NM_032898.5 (MANE Select); coding-DNA position 466, G replaced by A.
Protein change: p.Asp156Asn; replaces aspartic acid 156 with asparagine.
Molecular consequence: missense variant.
Genome position (GRCh38, 1-based): chr3:196,707,577, C>T on the plus strand (G>A on the coding strand, the complement: CEP19 is on the minus strand). VCF-style: chr3-196707577-C-T. GRCh37 (hg19) VCF-style: chr3-196434448-C-T.
Other names: c.361G>A, p.Asp121Asn (NM_001379468.1); c.466G>A, p.Asp156Asn (NM_001379469.1, NM_001379470.1); short protein forms D121N, D156N.
Identifiers: ClinVar variation 1023214 (VCV001023214.2), dbSNP rs966047768, ClinGen allele CA90867101.

ClinVar aggregate classification (germline): Uncertain significance (1 of 4 stars; one submission).

Allele frequency attached by ClinVar (database versions not stated): gnomAD exomes below 0.00001; gnomAD 0.00001; TOPMed 0.00001.

Submission:

Labcorp Genetics (formerly Invitae), Labcorp
Classification: Uncertain significance. Last evaluated: 2021-08-28. Review status: criteria provided, single submitter. Criteria: Invitae Variant Classification Sherloc (09022015). Collection method: clinical testing. Allele origin: germline.
Comment: This sequence change replaces aspartic acid with asparagine at codon 160 of the CEP19 protein (p.Asp160Asn). The aspartic acid residue is highly conserved and there is a small physicochemical difference between aspartic acid and asparagine. This variant is not present in population databases (ExAC no frequency). This variant has not been reported in the literature in individuals affected with CEP19-related conditions. Algorithms developed to predict the effect of missense changes on protein structure and function are either unavailable or do not agree on the potential impact of this missense change (SIFT: "Deleterious"; PolyPhen-2: "Probably Damaging"; Align-GVGD: "Class C15"). In summary, the available evidence is currently insufficient to determine the role of this variant in disease. Therefore, it has been classified as a Variant of Uncertain Significance.